The following is an entry in ClinVar:

NM_004006.3(DMD):c.4345-8C>T

Gene: DMD (dystrophin; minus strand). Cytogenetic location: Xp21.1.
Variant type: single nucleotide variant.
Coding change: c.4345-8C>T on transcript NM_004006.3 (MANE Select); 8 bases into the intron before coding-DNA position 4345, C replaced by T.
Molecular consequence: intron variant.
Genome position (GRCh38, 1-based): chrX:32,389,682, G>A on the plus strand (C>T on the coding strand, the complement: DMD is on the minus strand). VCF-style: chrX-32389682-G-A. GRCh37 (hg19) VCF-style: chrX-32407799-G-A.
Other names: c.4321-8C>T (NM_000109.4); c.322-8C>T (NM_004011.4); c.313-8C>T (NM_004012.4); c.4333-8C>T (NM_004009.3); c.3976-8C>T (NM_004010.3).
Identifiers: ClinVar variation 291175 (VCV000291175.15), dbSNP rs886044675, ClinGen allele CA10607046.

ClinVar aggregate classification (germline): Conflicting classifications of pathogenicity. Review status: criteria provided, conflicting classifications (1 of 4 stars). 4 submissions from 4 submitters: Uncertain significance (1); Likely benign (2). 1 of the submissions does not count toward it. Last evaluated 2025-09-21.

Conditions:
Dystrophin deficiency.
Duchenne muscular dystrophy (DMD). Also called: Duchenne Muscular Dystrophy (DMD); MUSCULAR DYSTROPHY, PSEUDOHYPERTROPHIC PROGRESSIVE, DUCHENNE TYPE. Identifiers: Orphanet 98896, MedGen C0013264, MONDO:0010679, OMIM 310200.

Allele frequency attached by ClinVar (database versions not stated): gnomAD exomes below 0.00001; gnomAD 0.00002; TOPMed 0.00002.
gnomAD v4.1: 7 of 1,205,910 alleles (0.00058%); highest among the groups gnomAD compares: Non-Finnish European, 0.00078%; no homozygotes.

Submissions (4):

Labcorp Genetics (formerly Invitae), Labcorp
Classification: Likely benign for Duchenne muscular dystrophy. Last evaluated: 2025-09-21. Review status: criteria provided, single submitter. Criteria: Invitae Variant Classification Sherloc (09022015). Collection method: clinical testing. Allele origin: germline.

Eurofins Ntd Llc (ga)
Classification: Uncertain significance. Last evaluated: 2016-09-14. Review status: criteria provided, single submitter. Criteria: EGL Classification Definitions 2015. Collection method: clinical testing. Allele origin: germline. Observed: 1 variant allele, 1 hemizygote.

GeneDx
Classification: Likely benign. Last evaluated: 2016-03-04. Review status: criteria provided, single submitter. Criteria: GeneDx Variant Classification (06012015). Collection method: clinical testing. Allele origin: germline. Affected: yes.
Comment: This variant is considered likely benign or benign based on one or more of the following criteria: it is a conservative change, it occurs at a poorly conserved position in the protein, it is predicted to be benign by multiple in silico algorithms, and/or has population frequency not consistent with disease.

Natera, Inc.
Classification: Likely benign for Dystrophin deficiency. Last evaluated: 2020-09-16. Review status: no assertion criteria provided. Collection method: clinical testing. Allele origin: germline. Not counted in ClinVar's aggregate classification.